The following is an entry in ClinVar:

ClinVar aggregate classification (germline): Likely benign. Review status: criteria provided, multiple submitters, no conflicts (2 of 4 stars). 2 submissions from 2 submitters: Likely benign (2). Last evaluated 2018-01-13.

Conditions:
Leber congenital amaurosis 12 (LCA12). Identifiers: Orphanet 65, MedGen C1857743, MONDO:0012525, OMIM 610612.

Allele frequency attached by ClinVar (database versions not stated): TOPMed 0.04000; 1000 Genomes Project 30x 0.04044; 1000 Genomes Project 0.04093.
gnomAD v4.1: 18,206 of 398,586 alleles (4.6%); highest among the groups gnomAD compares: Middle Eastern, 9.6%; 506 homozygotes.

Submissions (2):

Illumina Laboratory Services, Illumina
Classification: Likely benign for Leber congenital amaurosis 12. Last evaluated: 2018-01-13. Review status: criteria provided, single submitter. Criteria: ICSL Variant Classification Criteria 13 December 2019. Collection method: clinical testing. Allele origin: germline.
Comment: This variant was observed in the ICSL laboratory as part of a predisposition screen in an ostensibly healthy population. It had not been previously curated by ICSL or reported in the Human Gene Mutation Database (HGMD: prior to June 1st, 2018), and was therefore a candidate for classification through an automated scoring system. Utilizing variant allele frequency, disease prevalence and penetrance estimates, and inheritance mode, an automated score was calculated to assess if this variant is too frequent to cause the disease. Based on the score and internal cut-off values, a variant classified as likely benign is not then subjected to further curation. The score for this variant resulted in a classification of likely benign for this disease.

Breakthrough Genomics
Classification: Likely benign. Review status: criteria provided, single submitter. Criteria: ACMG Guidelines, 2015. Collection method: not provided. Allele origin: germline. Inheritance: Autosomal recessive inheritance. Affected: yes.

NM_001164688.2(RD3):c.*834G>A

Gene: RD3 (RD3 regulator of GUCY2D; minus strand). Cytogenetic location: 1q32.3.
Variant type: single nucleotide variant.
Coding change: c.*834G>A on transcript NM_001164688.2 (MANE Select); 834 bases downstream of the stop codon, G replaced by A.
Molecular consequence: 3 prime UTR variant.
Genome position (GRCh38, 1-based): chr1:211,478,202, C>T on the plus strand (G>A on the coding strand, the complement: RD3 is on the minus strand). VCF-style: chr1-211478202-C-T. GRCh37 (hg19) VCF-style: chr1-211651544-C-T.
Other names: c.*834G>A (NM_183059.3).
Identifiers: ClinVar variation 875617 (VCV000875617.5), dbSNP rs61849030, ClinGen allele CA10750850.